The following is an entry in ClinVar:

ClinVar aggregate classification (germline): Benign/Likely benign. Review status: criteria provided, multiple submitters, no conflicts (2 of 4 stars). 9 submissions from 9 submitters: Benign (6); Likely benign (1). 2 of the submissions do not count toward it. Last evaluated 2026-05-09.

Conditions:
Iodotyrosyl coupling defect (TDH3). Also called: HYPOTHYROIDISM, CONGENITAL, DUE TO DYSHORMONOGENESIS, 3; THYROID HORMONOGENESIS, GENETIC DEFECT IN, 3. Identifiers: Orphanet 95716, MedGen C0342194, MONDO:0010135, OMIM 274700.

Allele frequency attached by ClinVar (database versions not stated): 1000 Genomes Project 30x 0.39257; 1000 Genomes Project 0.39876; TOPMed 0.45948; ESP Exome Variant Server 0.46163; gnomAD 0.47427 and 0.47754; ExAC 0.56972; gnomAD exomes 0.57763 and 0.60283.
gnomAD v4.1: 950,615 of 1,611,998 alleles (59%); highest among the groups gnomAD compares: Admixed American, 64%; 291,469 homozygotes.

Submissions (9):

Women's Health and Genetics/Laboratory Corporation of America, LabCorp
Classification: Benign. Last evaluated: 2026-05-09. Review status: criteria provided, single submitter. Criteria: LabCorp Variant Classification Summary - May 2015. Collection method: clinical testing. Allele origin: germline.

Labcorp Genetics (formerly Invitae), Labcorp
Classification: Benign. Last evaluated: 2026-02-04. Review status: criteria provided, single submitter. Criteria: Invitae Variant Classification Sherloc (09022015). Collection method: clinical testing. Allele origin: germline.

Blueprint Genetics
Classification: Likely benign. Last evaluated: 2024-11-27. Review status: criteria provided, single submitter. Criteria: ACMG Guidelines, 2015. Collection method: clinical testing. Allele origin: germline.

Genome-Nilou Lab
Classification: Benign for Iodotyrosyl coupling defect. Last evaluated: 2021-09-10. Review status: criteria provided, single submitter. Criteria: ACMG Guidelines, 2015. Collection method: clinical testing. Allele origin: germline. Affected: no.

Illumina Laboratory Services, Illumina
Classification: Benign for Iodotyrosyl coupling defect. Last evaluated: 2018-01-13. Review status: criteria provided, single submitter. Criteria: ICSL Variant Classification Criteria 13 December 2019. Collection method: clinical testing. Allele origin: germline.
Comment: This variant was observed in the ICSL laboratory as part of a predisposition screen in an ostensibly healthy population. It had not been previously curated by ICSL or reported in the Human Gene Mutation Database (HGMD: prior to June 1st, 2018), and was therefore a candidate for classification through an automated scoring system. Utilizing variant allele frequency, disease prevalence and penetrance estimates, and inheritance mode, an automated score was calculated to assess if this variant is too frequent to cause the disease. Based on the score and internal cut-off values, a variant classified as benign is not then subjected to further curation. The score for this variant resulted in a classification of benign for this disease.

Breakthrough Genomics
Classification: Benign. Review status: criteria provided, single submitter. Criteria: ACMG Guidelines, 2015. Collection method: not provided. Allele origin: germline. Inheritance: Autosomal recessive inheritance. Affected: yes.

PreventionGenetics, part of Exact Sciences
Classification: Benign. Review status: criteria provided, single submitter. Criteria: ACMG Guidelines, 2015. Collection method: clinical testing. Allele origin: germline.

Clinical Genetics, Academic Medical Center
Classification: Benign. Review status: no assertion criteria provided. Collection method: clinical testing. Allele origin: germline. Affected: yes. Study: VKGL Data-share Consensus. Not counted in ClinVar's aggregate classification.

Diagnostic Laboratory, Department of Genetics, University Medical Center Groningen
Classification: Benign. Review status: no assertion criteria provided. Collection method: clinical testing. Allele origin: germline. Affected: yes. Study: VKGL Data-share Consensus. Not counted in ClinVar's aggregate classification.

NM_003235.5(TG):c.3935A>G (p.Asp1312Gly)

Gene: TG (thyroglobulin; plus strand). Cytogenetic location: 8q24.22.
Variant type: single nucleotide variant.
Coding change: c.3935A>G on transcript NM_003235.5 (MANE Select); coding-DNA position 3935, A replaced by G.
Protein change: p.Asp1312Gly; replaces aspartic acid 1312 with glycine.
Molecular consequence: missense variant.
Genome position (GRCh38, 1-based): chr8:132,908,273, A>G. VCF-style: chr8-132908273-A-G. GRCh37 (hg19) VCF-style: chr8-133920518-A-G.
Other names: short protein forms D1312G.
Identifiers: ClinVar variation 258993 (VCV000258993.18), dbSNP rs2069556, ClinGen allele CA4883953.
Genomic context (GRCh38, chr8:132,908,273, plus strand): 5'-CCCAAGGGCACTTTCAGCTCCAGCTCCCGCCGGGCAAGATGTGCAGTGCTGACTACGCGG[A>G]TTTGCTGCAGACTTTCCAGGTTTTCATATTGGATGAGCTGACAGCCCGCGGCTTCTGCCA-3'
Protein context (NP_003226.4, residues 1302-1322): PGKMCSADYA[Asp1312Gly]LLQTFQVFIL